The following is an entry in ClinVar:

NC_000013.10:g.(?_32944519)_(32972907_?)del

Gene: BRCA2 (BRCA2 DNA repair associated; plus strand). Cytogenetic location: 13q13.1.
Variant type: Deletion.
Identifiers: ClinVar variation 2422270 (VCV002422270.6).

ClinVar aggregate classification (germline): Pathogenic (1 of 4 stars; one submission).

Conditions:
Hereditary breast ovarian cancer syndrome. Also called: Hereditary breast and ovarian cancer syndrome; Hereditary breast and ovarian cancer; Hereditary breast and/or ovarian cancer syndrome; Hereditary breast and ovarian cancer syndrome (HBOC); Breast and ovarian cancer; BRCA1- and BRCA2-Associated Hereditary Breast and Ovarian Cancer. Identifiers: Orphanet 145, MedGen C0677776, MeSH D061325, MONDO:0003582. Disease mechanism: loss of function.

Submission:

Labcorp Genetics (formerly Invitae), Labcorp
Classification: Pathogenic for Hereditary breast ovarian cancer syndrome. Last evaluated: 2022-07-18. Review status: criteria provided, single submitter. Criteria: Invitae Variant Classification Sherloc (09022015). Collection method: clinical testing. Allele origin: germline.
Comment: This variant is a gross deletion of the genomic region encompassing exon(s) 19-27 of the BRCA2 gene, which includes the termination codon. This deletion extends beyond the assayed region for this gene and therefore may encompass additional genes. While this deletion is not anticipated to lead to nonsense mediated decay, it is expected to alter mRNA translation or result in a truncated protein product. This variant has not been reported in the literature in individuals affected with BRCA2-related conditions. This variant disrupts a region of the BRCA2 protein in which other variant(s) (p.Tyr3308*) have been determined to be pathogenic (PMID: 17026620, 18593900, 18607349, 22711857). This suggests that this is a clinically significant region of the protein, and that variants that disrupt it are likely to be disease-causing. For these reasons, this variant has been classified as Pathogenic.

Literature cited by the submitters: PubMed 17026620; PubMed 18593900; PubMed 18607349; PubMed 22711857.